The following is an entry in ClinVar:

ClinVar aggregate classification (germline): Uncertain significance (1 of 4 stars; one submission).

Submission:

CeGaT Center for Human Genetics Tuebingen
Classification: Uncertain significance. Last evaluated: 2024-07-01. Review status: criteria provided, single submitter. Criteria: CeGaT Center For Human Genetics Tuebingen Variant Classification Criteria Version 2. Collection method: clinical testing. Allele origin: germline. Affected: yes. Observed: 1 variant allele.
Comment: COL1A1: PM2

NM_000088.4(COL1A1):c.2339A>G (p.Asp780Gly)

Gene: COL1A1 (collagen type I alpha 1 chain; minus strand). Cytogenetic location: 17q21.33.
Variant type: single nucleotide variant.
Coding change: c.2339A>G on transcript NM_000088.4 (MANE Select); coding-DNA position 2339, A replaced by G.
Protein change: p.Asp780Gly; replaces aspartic acid 780 with glycine.
Molecular consequence: missense variant.
Genome position (GRCh38, 1-based): chr17:50,190,821, T>C on the plus strand (A>G on the coding strand, the complement: COL1A1 is on the minus strand). VCF-style: chr17-50190821-T-C. GRCh37 (hg19) VCF-style: chr17-48268182-T-C.
Other names: short protein forms D780G.
Identifiers: ClinVar variation 3342018 (VCV003342018.16).